The following is an entry in ClinVar:

ClinVar aggregate classification (germline): Conflicting classifications of pathogenicity. Review status: criteria provided, conflicting classifications (1 of 4 stars). 2 submissions from 2 submitters: Pathogenic (1); Uncertain significance (1). Last evaluated 2022-01-03.

Conditions:
Hereditary spastic paraplegia 10 (SPG10). Also called: SPASTIC PARAPLEGIA 10, AUTOSOMAL DOMINANT; SPASTIC PARAPLEGIA 10 WITH OR WITHOUT PERIPHERAL NEUROPATHY; SPASTIC PARAPLEGIA 10 WITH PERIPHERAL NEUROPATHY. Identifiers: Orphanet 100991, MedGen C1858712, MONDO:0011408, OMIM 604187.

Submissions (2):

3billion
Classification: Uncertain significance for Hereditary spastic paraplegia 10. Last evaluated: 2022-01-03. Review status: criteria provided, single submitter. Criteria: ACMG Guidelines, 2015. Collection method: clinical testing. Allele origin: germline. Affected: yes. Observed: 1 heterozygote.
Comment: Same nucleotide change resulting in same amino acid change has been previously reported to be associated with KIF5A related disorder (ClinVar ID: VCV000989065, PS1_P). In silico tool predictions suggest damaging effect of the variant on gene or gene product (REVEL: 0.894, 3CNET: 0.995, PP3_P). A missense variant is a common mechanism associated with Spastic paraplegia 10 (PP2_P). It is not observed in the gnomAD v2.1.1 dataset (PM2_M). Therefore, this variant is classified as uncertain significance according to the recommendation of ACMG/AMP guideline.

Paris Brain Institute, Inserm - ICM
Classification: Pathogenic for Hereditary spastic paraplegia 10. Review status: criteria provided, single submitter. Criteria: ACMG Guidelines, 2015. Collection method: clinical testing. Allele origin: unknown. Affected: yes. Observed: 1 variant allele.

NM_004984.4(KIF5A):c.416A>G (p.Tyr139Cys)

Gene: KIF5A (kinesin family member 5A; plus strand). Cytogenetic location: 12q13.3.
Variant type: single nucleotide variant.
Coding change: c.416A>G on transcript NM_004984.4 (MANE Select); coding-DNA position 416, A replaced by G.
Protein change: p.Tyr139Cys; replaces tyrosine 139 with cysteine.
Molecular consequence: missense variant.
Genome position (GRCh38, 1-based): chr12:57,564,479, A>G. VCF-style: chr12-57564479-A-G. GRCh37 (hg19) VCF-style: chr12-57958262-A-G.
Other names: c.149A>G, p.Tyr50Cys (NM_001354705.2); short protein forms Y139C, Y50C.
Identifiers: ClinVar variation 989065 (VCV000989065.3), dbSNP rs2140159368, ClinGen allele CA385495241.